The following is an entry in ClinVar:

ClinVar aggregate classification (germline): Likely benign. Review status: criteria provided, multiple submitters, no conflicts (2 of 4 stars). 2 submissions from 2 submitters: Likely benign (2). Last evaluated 2025-11-24.

Conditions:
RAI1-related disorder. Also called: RAI1-related condition.

gnomAD v4.1: 3 of 1,614,066 alleles (0.00019%); highest among the groups gnomAD compares: African/African-American, 0.0013%; no homozygotes.

Submissions (2):

PreventionGenetics, part of Exact Sciences
Classification: Likely benign for RAI1-related condition. Last evaluated: 2025-11-24. Review status: criteria provided, single submitter. Criteria: ACMG Guidelines, 2015. Collection method: clinical testing. Allele origin: germline.
Comment: This variant is classified as likely benign based on ACMG/AMP sequence variant interpretation guidelines (Richards et al. 2015 PMID: 25741868, with internal and published modifications).

Labcorp Genetics (formerly Invitae), Labcorp
Classification: Likely benign. Last evaluated: 2024-06-04. Review status: criteria provided, single submitter. Criteria: Invitae Variant Classification Sherloc (09022015). Collection method: clinical testing. Allele origin: germline.

NM_030665.4(RAI1):c.1113C>G (p.Pro371=)

Gene: RAI1 (retinoic acid induced 1; plus strand). Cytogenetic location: 17p11.2.
Variant type: single nucleotide variant.
Coding change: c.1113C>G on transcript NM_030665.4 (MANE Select); coding-DNA position 1113, C replaced by G.
Protein change: p.Pro371=; no amino-acid change (proline 371 retained).
Molecular consequence: synonymous variant.
Genome position (GRCh38, 1-based): chr17:17,794,061, C>G. VCF-style: chr17-17794061-C-G. GRCh37 (hg19) VCF-style: chr17-17697375-C-G.
Other names: c.1113C>G (NM_030665.3).
Identifiers: ClinVar variation 3699477 (VCV003699477.3).
Genomic context (GRCh38, chr17:17,794,061, plus strand): 5'-CCGCTCACCTTCCTACAGTTCCACACCGTCGCCGCTGATGCCAAACCTGGAGAACTTTCC[C>G]TACAGCCAGCAGCCGCTCAGCACCGGGGCCTTCCCCGCAGGGATCACTGACCACAGCCAC-3'
Protein context (NP_109590.3, residues 361-381): SPLMPNLENF[Pro371=]YSQQPLSTGA